The following is an entry in ClinVar:

ClinVar aggregate classification (germline): Pathogenic/Likely pathogenic. Review status: criteria provided, multiple submitters, no conflicts (2 of 4 stars). 2 submissions from 2 submitters: Pathogenic (1); Likely pathogenic (1). Last evaluated 2025-07-21.

Conditions:
Arrhythmogenic right ventricular dysplasia 10. Also called: Arrhythmogenic Right Ventricular Dysplasia/Cardiomyopathy10; ARRHYTHMOGENIC RIGHT VENTRICULAR DYSPLASIA, FAMILIAL, 10; Arrhythmogenic right ventricular dysplasia/cardiomyopathy, type 10. Identifiers: MedGen C1857777, MONDO:0012434, OMIM 610193.

Submissions (2):

Labcorp Genetics (formerly Invitae), Labcorp
Classification: Pathogenic for Arrhythmogenic right ventricular dysplasia 10. Last evaluated: 2025-07-21. Review status: criteria provided, single submitter. Criteria: Invitae Variant Classification Sherloc (09022015). Collection method: clinical testing. Allele origin: germline.
Comment: This sequence change creates a premature translational stop signal (p.Val103Leufs*2) in the DSG2 gene. It is expected to result in an absent or disrupted protein product. Loss-of-function variants in DSG2 are known to be pathogenic (PMID: 17105751, 31386562). This variant is not present in population databases (gnomAD no frequency). This variant has not been reported in the literature in individuals affected with DSG2-related conditions. ClinVar contains an entry for this variant (Variation ID: 451114). For these reasons, this variant has been classified as Pathogenic.

GeneDx
Classification: Likely pathogenic. Last evaluated: 2017-08-03. Review status: criteria provided, single submitter. Criteria: GeneDx Variant Classification (06012015). Collection method: clinical testing. Allele origin: germline. Affected: yes.
Comment: Although the c.307_308delGT likely pathogenic variant in the DSG2 gene has not been reported to our knowledge, this variant causes a shift in reading frame starting at codon valine 103, changing it to a leucine, and creating a premature stop codon at position 2 of the new reading frame, denoted p.Val103LeufsX2. This likely pathogenic variant is expected to result in either an abnormal, truncated protein product or loss of protein from this allele through nonsense-mediated mRNA decay. Other frameshift variants in the DSG2 gene have been reported in Human Gene Mutation Database in association with cardiomyopathy (Stenson et al., 2014), indicating that loss of function is a mechanism of disease for this gene. The c.307_308delGT variant has not been observed in large population cohorts (Lek et al., 2016; 1000 Genomes Consortium et al., 2015; Exome Variant Server). However, this variant lacks observation in a significant number of affected individuals, segregation data, and functional evidence, which would further clarify its pathogenicity.

Literature cited by the submitters: PubMed 17105751 (cited by Labcorp Genetics (formerly Invitae), Labcorp); PubMed 31386562 (cited by Labcorp Genetics (formerly Invitae), Labcorp).

NM_001943.5(DSG2):c.307_308del (p.Val103fs)

Gene: DSG2 (desmoglein 2; plus strand). Cytogenetic location: 18q12.1.
Variant type: Deletion.
Coding change: c.307_308del on transcript NM_001943.5 (MANE Select); coding-DNA positions 307 to 308, 2 bases deleted (GT; older notation c.307_308delGT).
Protein change: p.Val103fs; shifts the reading frame from valine 103.
Molecular consequence: frameshift variant.
Genome position (GRCh38, 1-based): chr18:31,520,893-31,520,894, GT deleted; deleting any 2 consecutive bases within chr18:31,520,892-31,520,894 gives the same sequence; the c. name uses the placement nearest the transcript's 3' end. VCF-style (leftmost placement, unchanged base first): chr18-31520891-TTG-T. GRCh37 (hg19) VCF-style: chr18-29100854-TTG-T.
Other names: c.307_308del (LRG_397t1); short protein forms V103fs.
Identifiers: ClinVar variation 451114 (VCV000451114.5), dbSNP rs1555671201, ClinGen allele CA658658730.